The following is an entry in ClinVar:

NM_001032283.3(TMPO):c.254G>C (p.Gly85Ala)

Genes: TMPO (thymopoietin; plus strand), TMPO-AS1 (TMPO antisense RNA 1; minus strand), LOC130008520 (ATAC-STARR-seq lymphoblastoid silent region 4752; plus strand). Cytogenetic location: 12q23.1.
Variant type: single nucleotide variant.
Coding change: c.254G>C on transcript NM_001032283.3 (MANE Select); coding-DNA position 254, G replaced by C.
Protein change: p.Gly85Ala; replaces glycine 85 with alanine.
Molecular consequence: missense variant. On other transcripts: non-coding transcript variant (1).
Genome position (GRCh38, 1-based): chr12:98,516,121, G>C. VCF-style: chr12-98516121-G-C. GRCh37 (hg19) VCF-style: chr12-98909899-G-C.
Other names: c.254G>C, p.Gly85Ala (NM_001032284.3, NM_001307975.2, NM_003276.2); short protein forms G85A.
Identifiers: ClinVar variation 1792932 (VCV001792932.2), dbSNP rs2548489118, ClinGen allele CA386239747.

ClinVar aggregate classification (germline): Uncertain significance (1 of 4 stars; one submission).

Submission:

Ambry Genetics
Classification: Uncertain significance. Last evaluated: 2021-11-19. Review status: criteria provided, single submitter. Criteria: Ambry Variant Classification Scheme 2023. Collection method: clinical testing. Allele origin: germline.
Comment: The p.G85A variant (also known as c.254G>C), located in coding exon 1 of the TMPO gene, results from a G to C substitution at nucleotide position 254. The glycine at codon 85 is replaced by alanine, an amino acid with similar properties. This amino acid position is conserved. In addition, this alteration is predicted to be tolerated by in silico analysis. Since supporting evidence is limited at this time, the clinical significance of this alteration remains unclear.